The following is an entry in ClinVar:

NM_032608.7(MYO18B):c.4646C>T (p.Ala1549Val)

Genes: MYO18B (myosin XVIIIB; plus strand), MYO18B-AS1 (MYO18B antisense RNA 1; minus strand). Cytogenetic location: 22q12.1.
Variant type: single nucleotide variant.
Coding change: c.4646C>T on transcript NM_032608.7 (MANE Select); coding-DNA position 4646, C replaced by T.
Protein change: p.Ala1549Val; replaces alanine 1549 with valine.
Molecular consequence: missense variant.
Genome position (GRCh38, 1-based): chr22:25,895,258, C>T. VCF-style: chr22-25895258-C-T. GRCh37 (hg19) VCF-style: chr22-26291225-C-T.
Other names: c.4649C>T, p.Ala1550Val (NM_001318245.2); short protein forms A1550V, A1549V.
Identifiers: ClinVar variation 2126394 (VCV002126394.4), dbSNP rs747880830, ClinGen allele CA10160938.

ClinVar aggregate classification (germline): Uncertain significance (1 of 4 stars; one submission).

Allele frequency attached by ClinVar (database versions not stated): gnomAD exomes below 0.00001; ExAC 0.00001.
gnomAD v4.1: 1 of 1,603,338 alleles (0.000062%); highest among the groups gnomAD compares: South Asian, 0.0011%; no homozygotes.

Submission:

Labcorp Genetics (formerly Invitae), Labcorp
Classification: Uncertain significance. Last evaluated: 2022-04-15. Review status: criteria provided, single submitter. Criteria: Invitae Variant Classification Sherloc (09022015). Collection method: clinical testing. Allele origin: germline.
Comment: In summary, the available evidence is currently insufficient to determine the role of this variant in disease. Therefore, it has been classified as a Variant of Uncertain Significance. Algorithms developed to predict the effect of missense changes on protein structure and function are either unavailable or do not agree on the potential impact of this missense change (SIFT: "Not Available"; PolyPhen-2: "Benign"; Align-GVGD: "Not Available"). This variant has not been reported in the literature in individuals affected with MYO18B-related conditions. The frequency data for this variant in the population databases is considered unreliable, as metrics indicate poor data quality at this position in the gnomAD database. This sequence change replaces alanine, which is neutral and non-polar, with valine, which is neutral and non-polar, at codon 1549 of the MYO18B protein (p.Ala1549Val).